The following is an entry in ClinVar:

NM_001009944.3(PKD1):c.8998dup (p.Arg3000fs)

Gene: PKD1 (polycystin 1, transient receptor potential channel interacting; minus strand). Cytogenetic location: 16p13.3.
Variant type: Duplication.
Coding change: c.8998dup on transcript NM_001009944.3 (MANE Select); coding-DNA position 8998, one base duplicated (C; older notation c.8998dupC).
Protein change: p.Arg3000fs; shifts the reading frame from arginine 3000.
Molecular consequence: frameshift variant.
Genome position (GRCh38, 1-based): chr16:2,102,584, G duplicated on the plus strand (C on the coding strand, the reverse complement: PKD1 is on the minus strand); the first of 2 consecutive G bases (chr16:2,102,584-2,102,585); duplicating either gives the same sequence. VCF-style (leftmost placement, unchanged base first): chr16-2102583-C-CG. GRCh37 (hg19) VCF-style: chr16-2152584-C-CG.
Other names: c.8998dup, p.Arg3000fs (NM_000296.4); short protein forms R3000fs.
Identifiers: ClinVar variation 488185 (VCV000488185.2), dbSNP rs1555450475, ClinGen allele CA658658344.

ClinVar aggregate classification (germline): Pathogenic (0 of 4 stars; one submission).

Conditions:
Polycystic kidney disease, adult type (PKD1). Also called: Polycystic Kidney Disease 1, Autosomal Dominant; Polycystic kidney disease 1; Polycystic kidney disease 1, severe; POLYCYSTIC KIDNEY DISEASE, ADULT, TYPE I; POLYCYSTIC KIDNEY DISEASE 1 WITH OR WITHOUT POLYCYSTIC LIVER DISEASE; Polycystic Kidney, Autosomal Dominant. Identifiers: MedGen C3149841, MONDO:0008263, OMIM 173900.

Submission:

Centre for Genetic Disorders, Banaras Hindu University
Classification: Pathogenic for Polycystic kidney disease, adult type. Last evaluated: 2017-12-30. Review status: no assertion criteria provided. Collection method: research. Allele origin: germline. Inheritance: Autosomal dominant inheritance. Affected: yes.
Comment: This variant was not present in 100 control individuals. This change is present in coding region and alters the translation frame. NM_001009944.2:c.8998dupC (R3000Pfs*69) is a frameshift mutation leading to the termination of protein synthesis at 3069 amino acid. MutationTaster predicts this variant to be disease causing.